The following is an entry in ClinVar:

NM_001323289.2(CDKL5):c.464-1G>A

Gene: CDKL5 (cyclin dependent kinase like 5; plus strand). Cytogenetic location: Xp22.13.
Variant type: single nucleotide variant.
Coding change: c.464-1G>A on transcript NM_001323289.2 (MANE Select); the canonical splice acceptor site of the intron before coding-DNA position 464, G replaced by A.
Molecular consequence: splice acceptor variant.
Genome position (GRCh38, 1-based): chrX:18,584,262, G>A. VCF-style: chrX-18584262-G-A. GRCh37 (hg19) VCF-style: chrX-18602382-G-A.
Other names: c.464-1G>A (NM_003159.3, NM_001037343.2).
Identifiers: ClinVar variation 189591 (VCV000189591.5), dbSNP rs786204986, ClinGen allele CA199405.

ClinVar aggregate classification (germline): Pathogenic/Likely pathogenic. Review status: criteria provided, multiple submitters, no conflicts (2 of 4 stars). 4 submissions from 4 submitters: Pathogenic (2); Likely pathogenic (1). 1 of the submissions does not count toward it. Last evaluated 2024-09-24.

Conditions:
CDKL5 disorder. Identifiers: MedGen CN296942, MONDO:0100039.
Atypical Rett syndrome. Also called: Variant Rett Syndrome; Rett like syndrome. Identifiers: Orphanet 3095, MedGen C2748910, MONDO:0017746.
Developmental and epileptic encephalopathy, 2 (DEE2). Also called: INFANTILE SPASM SYNDROME, X-LINKED 2; CDKL5 deficiency disorder. Identifiers: Orphanet 1934, Orphanet 3451, Orphanet 505652, MedGen C4750718, MONDO:0010396, OMIM 300672.
CDKL5-related disorder.

Submissions (4):

Centre for Population Genomics, CPG
Classification: Pathogenic for CDKL5 disorder. Last evaluated: 2024-09-24. Review status: criteria provided, single submitter. Criteria: McKnight et al. (Hum Mutat. 2022). Collection method: curation. Allele origin: germline. Inheritance: X-linked inheritance.
Comment: This variant has been collected from RettBASE and curated to current modified ACMG/AMP criteria. Based on the classification scheme defined by the ClinGen Rett/Angelman-like Expert Panel for Rett/AS-like Disorders Specifications to the ACMG/AMP Variant Interpretation Guidelines VCEP 3.0, this variant is classified as pathogenic. At least the following criteria are met: Predicted to result in loss of function, and LOF is a known mechanism of disease (PVS1). At least one individual with this variant has been reported with a clinical phenotype consistent with CDKL5- related condition (PP4). PMID:22670143 This variant is absent from gnomAD v4 (PM2_Supporting).

Blueprint Genetics
Classification: Likely pathogenic for CDKL5-related disorders. Last evaluated: 2023-02-07. Review status: criteria provided, single submitter. Criteria: ACMG Guidelines, 2015. Collection method: clinical testing. Allele origin: germline. Affected: yes. Observed: 1 variant allele.

Juno Genomics, Hangzhou Juno Genomics, Inc
Classification: Pathogenic for Developmental and epileptic encephalopathy, 2. Review status: criteria provided, single submitter. Criteria: ACMG Guidelines, 2015. Collection method: clinical testing. Allele origin: germline. Affected: yes.
Comment: Absent from controls (or at extremely low frequency if recessive) in Genome Aggregation Database.;De novo (both maternity and paternity confirmed) in a patient with the disease and no family history.;Null variant in a gene where loss of function (LOF) is a known mechanism of disease.;Patient's phenotype or family history is highly specific for a disease with a single genetic etiology.

RettBASE
Classification: Pathogenic for Atypical Rett syndrome. Last evaluated: 2014-03-13. Review status: no assertion criteria provided. Collection method: curation. Allele origin: unknown. Affected: yes. Observed: 1 variant allele. Not counted in ClinVar's aggregate classification.
Comment: Disrupts splice site but effect on transcript uncertain

Literature cited by the submitters: PubMed 22670143 (cited by RettBASE).